The following is an entry in ClinVar:

ClinVar aggregate classification (germline): Uncertain significance (1 of 4 stars; one submission).

Conditions:
Congenital muscular dystrophy due to integrin alpha-7 deficiency. Also called: Congenital muscular dystrophy with integrin alpha-7 deficiency; Muscular dystrophy, congenital, due to ITGA7 deficiency; MYOPATHY, CONGENITAL, DUE TO INTEGRIN ALPHA-7 DEFICIENCY. Identifiers: Orphanet 34520, MedGen C2750786, MONDO:0013177, OMIM 613204.

Allele frequency attached by ClinVar (database versions not stated): gnomAD below 0.00001 and 0.00001; gnomAD exomes below 0.00001; TOPMed below 0.00001.

Submission:

Labcorp Genetics (formerly Invitae), Labcorp
Classification: Uncertain significance for Congenital muscular dystrophy due to integrin alpha-7 deficiency. Last evaluated: 2020-04-20. Review status: criteria provided, single submitter. Criteria: Invitae Variant Classification Sherloc (09022015). Collection method: clinical testing. Allele origin: germline.
Comment: This sequence change replaces arginine with glutamine at codon 569 of the ITGA7 protein (p.Arg569Gln). The arginine residue is moderately conserved and there is a small physicochemical difference between arginine and glutamine. This variant is not present in population databases (ExAC no frequency). This variant has not been reported in the literature in individuals with ITGA7-related conditions. Algorithms developed to predict the effect of missense changes on protein structure and function are either unavailable or do not agree on the potential impact of this missense change (SIFT: "Tolerated"; PolyPhen-2: "Probably Damaging"; Align-GVGD: "Class C0"). In summary, the available evidence is currently insufficient to determine the role of this variant in disease. Therefore, it has been classified as a Variant of Uncertain Significance.

NM_002206.3(ITGA7):c.1706G>A (p.Arg569Gln)

Gene: ITGA7 (integrin subunit alpha 7; minus strand). Cytogenetic location: 12q13.2.
Variant type: single nucleotide variant.
Coding change: c.1706G>A on transcript NM_002206.3 (MANE Select); coding-DNA position 1706, G replaced by A.
Protein change: p.Arg569Gln; replaces arginine 569 with glutamine.
Molecular consequence: missense variant.
Genome position (GRCh38, 1-based): chr12:55,696,930, C>T on the plus strand (G>A on the coding strand, the complement: ITGA7 is on the minus strand). VCF-style: chr12-55696930-C-T. GRCh37 (hg19) VCF-style: chr12-56090714-C-T.
Other names: c.1718G>A, p.Arg573Gln (NM_001144996.2); c.1427G>A, p.Arg476Gln (NM_001144997.2); c.1379G>A, p.Arg460Gln (NM_001367993.1); c.362G>A, p.Arg121Gln (NM_001367994.1); c.1688G>A, p.Arg563Gln (NM_001374465.1); c.1838G>A, p.Arg613Gln (NM_001410977.1); c.1700G>A, p.Arg567Gln (NM_001414029.1); c.1631G>A, p.Arg544Gln (NM_001414030.1); and 5 more; short protein forms R121Q, R460Q, R476Q, R563Q, R569Q, R573Q, R613Q, R529Q.
Identifiers: ClinVar variation 1004963 (VCV001004963.8), dbSNP rs1213645649, ClinGen allele CA385188055.
Genomic context (GRCh38, chr12:55,696,930, plus strand): 5'-CCCTCAGAAGCCAAGGGGTCAGTGTCCACCTGGAGCTGGAACATGGCGTCTCCACAGACT[C>T]GGTCATGCTGGTGCTTCAGCCACACGGTGCCCGAGGCCTGGTGCTTGGGTTCTTCCAGGT-3'
Protein context (NP_002197.2, residues 559-579): GTVWLKHQHD[Arg569Gln]VCGDAMFQLQ